The following is an entry in ClinVar:

NM_001130009.3(GEN1):c.2431G>T (p.Gly811Trp)

Gene: GEN1 (GEN1 structure-specific endonuclease; plus strand). Cytogenetic location: 2p24.2.
Variant type: single nucleotide variant.
Coding change: c.2431G>T on transcript NM_001130009.3 (MANE Select); coding-DNA position 2431, G replaced by T.
Protein change: p.Gly811Trp; replaces glycine 811 with tryptophan.
Molecular consequence: missense variant.
Genome position (GRCh38, 1-based): chr2:17,781,643, G>T. VCF-style: chr2-17781643-G-T. GRCh37 (hg19) VCF-style: chr2-17962910-G-T.
Other names: c.2431G>T, p.Gly811Trp (NM_182625.5); short protein forms G811W.
Identifiers: ClinVar variation 4671498 (VCV004671498.1).
Genomic context (GRCh38, chr2:17,781,643, plus strand): 5'-ATGAAGAAGAGTGTTTGCCTTGACAGACATTCCTCTGATGAACAAAGTGCCCCAGTGTTT[G>T]GGAAAGCTAAGTACACAACTCAAAGAATGAAGCACAGTTCTCAAAAGCATAATTCATCCC-3'
Protein context (NP_001123481.3, residues 801-821): SSDEQSAPVF[Gly811Trp]KAKYTTQRMK

ClinVar aggregate classification (germline): Uncertain significance (1 of 4 stars; one submission).

Submission:

Ambry Genetics
Classification: Uncertain significance. Last evaluated: 2025-11-07. Review status: criteria provided, single submitter. Criteria: Ambry Variant Classification Scheme 2023. Collection method: clinical testing. Allele origin: germline.
Comment: The p.G811W variant (also known as c.2431G>T), located in coding exon 13 of the GEN1 gene, results from a G to T substitution at nucleotide position 2431. The glycine at codon 811 is replaced by tryptophan, an amino acid with highly dissimilar properties. This amino acid position is conserved. In addition, this alteration is predicted to be tolerated by in silico analysis. Based on the available evidence, the clinical significance of this variant remains unclear.